The following is an entry in ClinVar:

ClinVar aggregate classification (germline): Likely benign (1 of 4 stars; one submission).

Conditions:
BBS9-related disorder. Also called: BBS9-related condition.

Submission:

PreventionGenetics, part of Exact Sciences
Classification: Likely benign for BBS9-related condition. Last evaluated: 2025-11-06. Review status: criteria provided, single submitter. Criteria: ACMG Guidelines, 2015. Collection method: clinical testing. Allele origin: germline.
Comment: This variant is classified as likely benign based on ACMG/AMP sequence variant interpretation guidelines (Richards et al. 2015 PMID: 25741868, with internal and published modifications).

NM_198428.3(BBS9):c.1329+1723_1329+1728del

Gene: BBS9 (Bardet-Biedl syndrome 9; plus strand). Cytogenetic location: 7p14.3.
Variant type: Deletion.
Coding change: c.1329+1723_1329+1728del on transcript NM_198428.3 (MANE Select); bases 1723 to 1728 of the intron after coding-DNA position 1329, 6 bases deleted (TTCCAG; older notation c.1329+1723_1329+1728delTTCCAG).
Molecular consequence: intron variant. On other transcripts: non-coding transcript variant (1).
Genome position (GRCh38, 1-based): chr7:33,346,357-33,346,362, TTCCAG deleted. VCF-style (leftmost placement, unchanged base first): chr7-33346356-ATTCCAG-A. GRCh37 (hg19) VCF-style: chr7-33385968-ATTCCAG-A.
Other names: c.1329+1723_1329+1728del (NM_001348036.1, NM_001362679.1, NM_001348041.4 and 5 more transcripts); c.1056+1723_1056+1728del (NM_001348038.3, NM_001348039.3); c.963+1723_963+1728del (NM_001348037.3, NM_001348045.3, NM_001348046.3 and 1 more transcripts); c.1194+1723_1194+1728del (NM_001348042.3).
Identifiers: ClinVar variation 5000167 (VCV005000167.1).